The following is an entry in ClinVar:

ClinVar aggregate classification (germline): Pathogenic (1 of 4 stars; one submission).

Allele frequency attached by ClinVar (database versions not stated): ExAC 0.00001; TOPMed 0.00001; gnomAD 0.00002.
gnomAD v4.1: 3 of 1,614,030 alleles (0.00019%); highest among the groups gnomAD compares: African/African-American, 0.004%; no homozygotes.

Submission:

Labcorp Genetics (formerly Invitae), Labcorp
Classification: Pathogenic. Last evaluated: 2022-03-27. Review status: criteria provided, single submitter. Criteria: Invitae Variant Classification Sherloc (09022015). Collection method: clinical testing. Allele origin: germline.
Comment: For these reasons, this variant has been classified as Pathogenic. This variant has not been reported in the literature in individuals affected with MCM3AP-related conditions. This variant is present in population databases (rs769178368, gnomAD 0.01%). This sequence change creates a premature translational stop signal (p.Gln41*) in the MCM3AP gene. It is expected to result in an absent or disrupted protein product. Loss-of-function variants in MCM3AP are known to be pathogenic (PMID: 28633435).

Literature cited by the submitters: PubMed 28633435.

NM_003906.5(MCM3AP):c.121C>T (p.Gln41Ter)

Gene: MCM3AP (minichromosome maintenance complex component 3 associated protein; minus strand). Cytogenetic location: 21q22.3.
Variant type: single nucleotide variant.
Coding change: c.121C>T on transcript NM_003906.5 (MANE Select); coding-DNA position 121, C replaced by T.
Protein change: p.Gln41Ter; replaces glutamine 41 with a stop codon.
Molecular consequence: nonsense.
Genome position (GRCh38, 1-based): chr21:46,285,166, G>A on the plus strand (C>T on the coding strand, the complement: MCM3AP is on the minus strand). VCF-style: chr21-46285166-G-A. GRCh37 (hg19) VCF-style: chr21-47705080-G-A.
Other names: short protein forms Q41*.
Identifiers: ClinVar variation 1911604 (VCV001911604.5), dbSNP rs769178368, ClinGen allele CA10077415.
Genomic context (GRCh38, chr21:46,285,166, plus strand): 5'-ACGCTGGAAAGCTGGATACCTGTGAAAATCCCGAGCTCTTCCCAGATAAGGTACTGTTTT[G>A]TCCAAAAAGAGAAGGTTGACCAAATCGAAATGGCGGCTTAGATGGAAGTGTTCCTACATT-3'